The following is an entry in ClinVar:

ClinVar aggregate classification (germline): Benign/Likely benign. Review status: criteria provided, multiple submitters, no conflicts (2 of 4 stars). 2 submissions from 2 submitters: Benign (1); Likely benign (1). Last evaluated 2025-03-25.

Conditions:
Hereditary cancer-predisposing syndrome. Also called: Hereditary neoplastic syndrome; Neoplastic Syndromes, Hereditary; Tumor predisposition; Hereditary Cancer Syndrome. Identifiers: Orphanet 140162, MedGen C0027672, MeSH D009386, MONDO:0015356.
Peutz-Jeghers syndrome (PJS). Also called: POLYPOSIS, HAMARTOMATOUS INTESTINAL; POLYPS-AND-SPOTS SYNDROME; Peutz-Jeghers polyposis; Periorificial lentiginosis syndrome. Identifiers: Orphanet 2869, MedGen C0031269, MeSH D010580, MONDO:0008280, OMIM 175200.

Submissions (2):

Myriad Genetics, Inc.
Classification: Benign for Peutz-Jeghers syndrome. Last evaluated: 2025-03-25. Review status: criteria provided, single submitter. Criteria: Myriad Autosomal Dominant, Autosomal Recessive and X-Linked Classification Criteria (2023). Collection method: clinical testing. Allele origin: unknown.
Comment: This variant is considered benign. This variant is a silent/synonymous amino acid change and it is not expected to impact splicing.

Ambry Genetics
Classification: Likely benign for Hereditary cancer-predisposing syndrome. Last evaluated: 2016-12-09. Review status: criteria provided, single submitter. Criteria: Ambry Variant Classification Scheme 2023. Collection method: clinical testing. Allele origin: germline.

NM_000455.5(STK11):c.276G>A (p.Glu92=)

Gene: STK11 (serine/threonine kinase 11; plus strand). Cytogenetic location: 19p13.3.
Variant type: single nucleotide variant.
Coding change: c.276G>A on transcript NM_000455.5 (MANE Select); coding-DNA position 276, G replaced by A.
Protein change: p.Glu92=; no amino-acid change (glutamic acid 92 retained).
Molecular consequence: synonymous variant.
Genome position (GRCh38, 1-based): chr19:1,207,189, G>A. VCF-style: chr19-1207189-G-A. GRCh37 (hg19) VCF-style: chr19-1207188-G-A.
Identifiers: ClinVar variation 480704 (VCV000480704.6), dbSNP rs1555735071, ClinGen allele CA504706338.